The following is an entry in ClinVar:

ClinVar aggregate classification (germline): Likely benign (1 of 4 stars; one submission).

Allele frequency attached by ClinVar (database versions not stated): 1000 Genomes Project 0.00053; ExAC 0.00060; 1000 Genomes Project 30x 0.00062; TOPMed 0.00063.

Submission:

CeGaT Center for Human Genetics Tuebingen
Classification: Likely benign. Last evaluated: 2022-06-01. Review status: criteria provided, single submitter. Criteria: CeGaT Center For Human Genetics Tuebingen Variant Classification Criteria Version 2. Collection method: clinical testing. Allele origin: germline. Affected: yes. Observed: 1 variant allele.
Comment: PPP1R2C: BP4, BP7

NM_025210.2(PPP1R2C):c.189C>T (p.Tyr63=)

Gene: PPP1R2C (PPP1R2 family member C; minus strand). Cytogenetic location: Xp11.3.
Variant type: single nucleotide variant.
Coding change: c.189C>T on transcript NM_025210.2 (MANE Select); coding-DNA position 189, C replaced by T.
Protein change: p.Tyr63=; no amino-acid change (tyrosine 63 retained).
Molecular consequence: synonymous variant.
Genome position (GRCh38, 1-based): chrX:42,777,891, G>A on the plus strand (C>T on the coding strand, the complement: PPP1R2C is on the minus strand). VCF-style: chrX-42777891-G-A. GRCh37 (hg19) VCF-style: chrX-42637142-G-A.
Identifiers: ClinVar variation 2660357 (VCV002660357.24), dbSNP rs192382007, ClinGen allele CA10390693.